The following is an entry in ClinVar:

ClinVar aggregate classification (germline): Uncertain significance (1 of 4 stars; one submission).

Conditions:
SRGAP1-related disorder. Also called: SRGAP1-related condition.

Submission:

PreventionGenetics, part of Exact Sciences
Classification: Uncertain significance for SRGAP1-related condition. Last evaluated: 2026-08-25. Review status: criteria provided, single submitter. Criteria: ACMG Guidelines, 2015. Collection method: clinical testing. Allele origin: germline.
Comment: The SRGAP1 c.2352G>T variant is predicted to result in the amino acid substitution p.Arg784Ser. To our knowledge, this variant has not been reported in the literature or in a large population database (gnomAD), indicating this variant is rare. At this time, the clinical significance of this variant is uncertain due to the absence of conclusive functional and genetic evidence.

NM_020762.4(SRGAP1):c.2352G>T (p.Arg784Ser)

Gene: SRGAP1 (SLIT-ROBO Rho GTPase activating protein 1; plus strand). Cytogenetic location: 12q14.2.
Variant type: single nucleotide variant.
Coding change: c.2352G>T on transcript NM_020762.4 (MANE Select); coding-DNA position 2352, G replaced by T.
Protein change: p.Arg784Ser; replaces arginine 784 with serine.
Molecular consequence: missense variant.
Genome position (GRCh38, 1-based): chr12:64,126,104, G>T. VCF-style: chr12-64126104-G-T. GRCh37 (hg19) VCF-style: chr12-64519884-G-T.
Other names: c.2283G>T, p.Arg761Ser (NM_001346201.2); short protein forms R761S, R784S.
Identifiers: ClinVar variation 4996122 (VCV004996122.1).